The following is an entry in ClinVar:

NM_001715.3(BLK):c.1274T>G (p.Leu425Arg)

Gene: BLK (BLK proto-oncogene, Src family tyrosine kinase). Cytogenetic location: 8p23.1.
Variant type: single nucleotide variant.
Coding change: c.1274T>G on transcript NM_001715.3 (MANE Select); coding-DNA position 1274, T replaced by G.
Protein change: p.Leu425Arg; replaces leucine 425 with arginine.
Molecular consequence: missense variant.
Genome position (GRCh38, 1-based): chr8:11,563,072, T>G. VCF-style: chr8-11563072-T-G. GRCh37 (hg19) VCF-style: chr8-11420581-T-G.
Other names: c.1061T>G, p.Leu354Arg (NM_001330465.2); short protein forms L354R, L425R.
Identifiers: ClinVar variation 1314579 (VCV001314579.2), dbSNP rs568054323, ClinGen allele CA370316430.

ClinVar aggregate classification (germline): Uncertain significance (1 of 4 stars; one submission).

Submission:

GeneDx
Classification: Uncertain significance. Last evaluated: 2021-04-20. Review status: criteria provided, single submitter. Criteria: GeneDx Variant Classification Process June 2021. Collection method: clinical testing. Allele origin: germline. Affected: yes.
Comment: Has not been previously published as pathogenic or benign to our knowledge; Not observed in large population cohorts (Lek et al., 2016); In silico analysis supports that this missense variant has a deleterious effect on protein structure/function